The following is an entry in ClinVar:

ClinVar aggregate classification (germline): Pathogenic (1 of 4 stars; one submission).

Conditions:
Hereditary cancer-predisposing syndrome. Also called: Tumor predisposition; Hereditary neoplastic syndrome; Hereditary Cancer Syndrome; Neoplastic Syndromes, Hereditary. Identifiers: Orphanet 140162, MedGen C0027672, MeSH D009386, MONDO:0015356.

Submission:

Ambry Genetics
Classification: Pathogenic for Hereditary cancer-predisposing syndrome. Last evaluated: 2023-09-26. Review status: criteria provided, single submitter. Criteria: Ambry Variant Classification Scheme 2023. Collection method: clinical testing. Allele origin: germline.
Comment: The c.2240dupT pathogenic mutation, located in coding exon 15 of the MSH3 gene, results from a duplication of T at nucleotide position 2240, causing a translational frameshift with a predicted alternate stop codon (p.S748Ifs*20). This alteration is expected to result in loss of function by premature protein truncation or nonsense-mediated mRNA decay. As such, this alteration is interpreted as a disease-causing mutation. This amino acid position is well conserved in available vertebrate species. This variant is considered to be rare based on population cohorts in the Genome Aggregation Database (gnomAD). Based on the supporting evidence, this alteration is interpreted as a disease-causing mutation.

NM_002439.5(MSH3):c.2240dup (p.Ser748fs)

Gene: MSH3 (mutS homolog 3; plus strand). Cytogenetic location: 5q14.1.
Variant type: Duplication.
Coding change: c.2240dup on transcript NM_002439.5 (MANE Select); coding-DNA position 2240, one base duplicated (T; older notation c.2240dupT).
Protein change: p.Ser748fs; shifts the reading frame from serine 748.
Molecular consequence: frameshift variant.
Genome position (GRCh38, 1-based): chr5:80,768,990, T duplicated. VCF-style (leftmost placement, unchanged base first): chr5-80768989-G-GT. GRCh37 (hg19) VCF-style: chr5-80064808-G-GT.
Other names: short protein forms S748fs.
Identifiers: ClinVar variation 3222259 (VCV003222259.1), dbSNP rs2546774331, ClinGen allele CA2825001439.